The following is an entry in ClinVar:

ClinVar aggregate classification (germline): Uncertain significance (1 of 4 stars; one submission).

Conditions:
Sclerosteosis 2 (SOST2). Identifiers: Orphanet 3152, MedGen C3280402, MONDO:0013679, OMIM 614305.
Congenital myasthenic syndrome 17. Identifiers: Orphanet 590, MedGen C4225377, MONDO:0014578, OMIM 616304.
Cenani-Lenz syndactyly syndrome. Also called: CENANI SYNDACTYLISM; SYNDACTYLY, TYPE VII. Identifiers: Orphanet 3258, MedGen C1859309, MONDO:0008931, OMIM 212780.

Submission:

Labcorp Genetics (formerly Invitae), Labcorp
Classification: Uncertain significance for Cenani-Lenz syndactyly syndrome; Sclerosteosis 2; Congenital myasthenic syndrome 17. Last evaluated: 2023-04-07. Review status: criteria provided, single submitter. Criteria: Invitae Variant Classification Sherloc (09022015). Collection method: clinical testing. Allele origin: germline.
Comment: This sequence change replaces asparagine, which is neutral and polar, with isoleucine, which is neutral and non-polar, at codon 119 of the LRP4 protein (p.Asn119Ile). This variant is not present in population databases (gnomAD no frequency). In summary, the available evidence is currently insufficient to determine the role of this variant in disease. Therefore, it has been classified as a Variant of Uncertain Significance. An algorithm developed to predict the effect of missense changes on protein structure and function (PolyPhen-2) suggests that this variant is likely to be disruptive. ClinVar contains an entry for this variant (Variation ID: 2075805). This variant has not been reported in the literature in individuals affected with LRP4-related conditions.

NM_002334.4(LRP4):c.356A>T (p.Asn119Ile)

Gene: LRP4 (LDL receptor related protein 4; minus strand). Cytogenetic location: 11p11.2.
Variant type: single nucleotide variant.
Coding change: c.356A>T on transcript NM_002334.4 (MANE Select); coding-DNA position 356, A replaced by T.
Protein change: p.Asn119Ile; replaces asparagine 119 with isoleucine.
Molecular consequence: missense variant.
Genome position (GRCh38, 1-based): chr11:46,899,937, T>A on the plus strand (A>T on the coding strand, the complement: LRP4 is on the minus strand). VCF-style: chr11-46899937-T-A. GRCh37 (hg19) VCF-style: chr11-46921488-T-A.
Other names: short protein forms N119I.
Identifiers: ClinVar variation 2075805 (VCV002075805.4), dbSNP rs2539778362, ClinGen allele CA380289899.